The following is an entry in ClinVar:

NM_004523.4(KIF11):c.2857A>G (p.Arg953Gly)

Gene: KIF11 (kinesin family member 11; plus strand). Cytogenetic location: 10q23.33.
Variant type: single nucleotide variant.
Coding change: c.2857A>G on transcript NM_004523.4 (MANE Select); coding-DNA position 2857, A replaced by G.
Protein change: p.Arg953Gly; replaces arginine 953 with glycine.
Molecular consequence: missense variant.
Genome position (GRCh38, 1-based): chr10:92,649,921, A>G. VCF-style: chr10-92649921-A-G. GRCh37 (hg19) VCF-style: chr10-94409678-A-G.
Other names: short protein forms R953G.
Identifiers: ClinVar variation 1023655 (VCV001023655.10), dbSNP rs1844962451, ClinGen allele CA377806077.
Genomic context (GRCh38, chr10:92,649,921, plus strand): 5'-TTATACCCATCAACACTGGTAAGAACTGAACCACGTGAACATCTCCTTGATCAGCTGAAA[A>G]GGAAACAGCCTGAGCTGTTAATGATGCTAAACTGTTCAGAAAACAACAAAGAAGAGACAA-3'
Protein context (NP_004514.2, residues 943-963): PREHLLDQLK[Arg953Gly]KQPELLMMLN

ClinVar aggregate classification (germline): Uncertain significance (1 of 4 stars; one submission).

Submission:

Labcorp Genetics (formerly Invitae), Labcorp
Classification: Uncertain significance. Last evaluated: 2022-01-14. Review status: criteria provided, single submitter. Criteria: Invitae Variant Classification Sherloc (09022015). Collection method: clinical testing. Allele origin: germline.
Comment: In summary, the available evidence is currently insufficient to determine the role of this variant in disease. Therefore, it has been classified as a Variant of Uncertain Significance. Algorithms developed to predict the effect of missense changes on protein structure and function (SIFT, PolyPhen-2, Align-GVGD) all suggest that this variant is likely to be tolerated. ClinVar contains an entry for this variant (Variation ID: 1023655). This variant has not been reported in the literature in individuals affected with KIF11-related conditions. This variant is not present in population databases (gnomAD no frequency). This sequence change replaces arginine, which is basic and polar, with glycine, which is neutral and non-polar, at codon 953 of the KIF11 protein (p.Arg953Gly).